The following is an entry in ClinVar:

ClinVar aggregate classification (germline): Pathogenic (1 of 4 stars; one submission).

Submission:

Labcorp Genetics (formerly Invitae), Labcorp
Classification: Pathogenic. Last evaluated: 2022-06-21. Review status: criteria provided, single submitter. Criteria: Invitae Variant Classification Sherloc (09022015). Collection method: clinical testing. Allele origin: germline.
Comment: This variant is not present in population databases (gnomAD no frequency). This sequence change creates a premature translational stop signal (p.Leu874Trpfs*11) in the MYO7A gene. It is expected to result in an absent or disrupted protein product. Loss-of-function variants in MYO7A are known to be pathogenic (PMID: 8900236, 25404053). This variant has not been reported in the literature in individuals affected with MYO7A-related conditions. For these reasons, this variant has been classified as Pathogenic.

Literature cited by the submitters: PubMed 8900236; PubMed 25404053.

NM_000260.4(MYO7A):c.2619del (p.Leu874fs)

Gene: MYO7A (myosin VIIA; plus strand). Cytogenetic location: 11q13.5.
Variant type: Deletion.
Coding change: c.2619del on transcript NM_000260.4 (MANE Select); coding-DNA position 2619, one base deleted (G; older notation c.2619delG).
Protein change: p.Leu874fs; shifts the reading frame from leucine 874.
Molecular consequence: frameshift variant.
Genome position (GRCh38, 1-based): chr11:77,180,406, G deleted; the last of 2 consecutive G bases (chr11:77,180,405-77,180,406); deleting either gives the same sequence. VCF-style (leftmost placement, unchanged base first): chr11-77180404-CG-C. GRCh37 (hg19) VCF-style: chr11-76891450-CG-C.
Other names: c.2619del, p.Leu874fs (NM_001127180.2); c.2586del, p.Leu863fs (NM_001369365.1); short protein forms L874fs, L863fs.
Identifiers: ClinVar variation 2006298 (VCV002006298.4), dbSNP rs2497186322, ClinGen allele CA2580084921.
Genomic context (GRCh38, chr11:77,180,404, plus strand): 5'-CCATGCCCTCTGGATGCCCCCTTCCCTCAGTATCTGTGGCGCCTCGAGGCTGAGAAAATG[CG>C]GCTGGCGGAGGAAGAGAAGCTTCGGAAGGAGATGAGCGCCAAGAAGGCCAAGGAGGAGGC-3'